The following is an entry in ClinVar:

NM_003590.5(CUL3):c.1349_1350del (p.Asp449_Ser450insTer)

Gene: CUL3 (cullin 3; minus strand). Cytogenetic location: 2q36.2.
Variant type: Microsatellite.
Coding change: c.1349_1350del on transcript NM_003590.5 (MANE Select); coding-DNA positions 1349 to 1350, 2 bases deleted (CT; older notation c.1349_1350delCT).
Protein change: p.Asp449_Ser450insTer.
Molecular consequence: nonsense.
Genome position (GRCh38, 1-based): chr2:224,503,679-224,503,680, AG deleted on the plus strand (CT on the coding strand, the reverse complement: CUL3 is on the minus strand); deleting any 2 consecutive bases within chr2:224,503,679-224,503,682 gives the same sequence; the c. name uses the placement nearest the transcript's 3' end. VCF-style (leftmost placement, unchanged base first): chr2-224503678-CAG-C. GRCh37 (hg19) VCF-style: chr2-225368395-CAG-C.
Other names: c.1151_1152del, p.Asp383_Ser384insTer (NM_001257197.2); c.1367_1368del, p.Asp455_Ser456insTer (NM_001257198.2).
Identifiers: ClinVar variation 520612 (VCV000520612.12), dbSNP rs1553521389, ClinGen allele CA658796188.

ClinVar aggregate classification (germline): Pathogenic/Likely pathogenic. Review status: criteria provided, multiple submitters, no conflicts (2 of 4 stars). 5 submissions from 5 submitters: Pathogenic (3); Likely pathogenic (2). Last evaluated 2026-05-21.

Conditions:
Neurodevelopmental disorder with or without autism or seizures (NEDAUS). Identifiers: MedGen C5543225, MONDO:0030994, OMIM 619239.
Inborn genetic diseases. Identifiers: MedGen C0950123, MeSH D030342.
CUL3-related disorder. Also called: CUL3-related condition; CUL3-related disorders.

Submissions (5):

Victorian Clinical Genetics Services, Murdoch Childrens Research Institute
Classification: Pathogenic for Neurodevelopmental disorder with or without autism or seizures. Last evaluated: 2026-05-21. Review status: criteria provided, single submitter. Criteria: ACMG Guidelines, 2015. Collection method: clinical testing. Allele origin: germline. Affected: yes.
Comment: This variant is classified as Pathogenic. Evidence in support of pathogenic classification: Variant is predicted to cause nonsense-mediated decay (NMD) and loss of protein (premature termination codon is located at least 54 nucleotides upstream of the final exon-exon junction); Variant is present in gnomAD <0.001 for a dominant condition (v4: 1 heterozygote(s), 0 homozygote(s)); This variant has moderate previous evidence of pathogenicity in unrelated individuals. This variant has been classified as likely pathogenic/pathogenic by clinical laboratories in ClinVar. - Other NMD-predicted variant(s) comparable to the one identified in this case have very strong previous evidence for pathogenicity (DECIPHER). Additional information: This variant is heterozygous; This gene is associated with autosomal dominant disease; Loss of function is a known mechanism of disease in this gene and is associated with neurodevelopmental disorder with or without autism or seizures (MIM#619239). Other variants that result in the skipping of exon 9 are associated with pseudohypoaldosteronism, type IIE (MIM#614496) due to CUL3 dysfunction; however, the exact mechanism of disease for this condition is unknown (PMID: 29361671); Variants in this gene are known to have variable expressivity with regards to neurodevelopmental disorder with or without autism or seizures (OMIM).

Ambry Genetics
Classification: Pathogenic for Inborn genetic diseases. Last evaluated: 2025-01-07. Review status: criteria provided, single submitter. Criteria: Ambry Variant Classification Scheme 2023. Collection method: clinical testing. Allele origin: germline.
Comment: The c.1349_1350delCT (p.S450*) alteration, located in coding exon 9 of the CUL3 gene, consists of a deletion of 2 nucleotides from position 1349 to 1350. This changes the amino acid from a serine to a stop codon at amino acid position 450. This alteration is expected to result in loss of function by premature protein truncation or nonsense-mediated mRNA decay. for CUL3-related neurodevelopmental disorder; however, its clinical significance for CUL3-related pseudohypoaldosteronism type II is uncertain. This variant was not reported in population-based cohorts in the Genome Aggregation Database (gnomAD). Based on the available evidence, this alteration is classified as pathogenic.

Blueprint Genetics
Classification: Likely pathogenic for CUL3-related disorders. Last evaluated: 2024-09-23. Review status: criteria provided, single submitter. Criteria: ACMG Guidelines, 2015. Collection method: clinical testing. Allele origin: germline. Affected: yes. Observed: 2 variant alleles.

Revvity Omics, Revvity
Classification: Likely pathogenic. Last evaluated: 2023-08-25. Review status: criteria provided, single submitter. Criteria: ACMG Guidelines, 2015. Collection method: clinical testing. Allele origin: germline.

Labcorp Genetics (formerly Invitae), Labcorp
Classification: Pathogenic. Last evaluated: 2022-09-27. Review status: criteria provided, single submitter. Criteria: Invitae Variant Classification Sherloc (09022015). Collection method: clinical testing. Allele origin: germline.
Comment: For these reasons, this variant has been classified as Pathogenic. This variant has not been reported in the literature in individuals affected with CUL3-related conditions. This variant is not present in population databases (gnomAD no frequency). This sequence change creates a premature translational stop signal (p.Ser450*) in the CUL3 gene. It is expected to result in an absent or disrupted protein product. Loss-of-function variants in CUL3 are known to be pathogenic (PMID: 32341456).

Literature cited by the submitters: PubMed 29361671 (cited by Victorian Clinical Genetics Services, Murdoch Childrens Research Institute); PubMed 32341456 (cited by Labcorp Genetics (formerly Invitae), Labcorp).